The following is an entry in ClinVar:

ClinVar aggregate classification (germline): Uncertain significance (1 of 4 stars; one submission).

gnomAD v4.1: 6 of 1,614,152 alleles (0.00037%); highest among the groups gnomAD compares: Non-Finnish European, 0.00051%; no homozygotes.

Submission:

Labcorp Genetics (formerly Invitae), Labcorp
Classification: Uncertain significance. Last evaluated: 2025-10-28. Review status: criteria provided, single submitter. Criteria: Invitae Variant Classification Sherloc (09022015). Collection method: clinical testing. Allele origin: germline.
Comment: This sequence change replaces leucine, which is neutral and non-polar, with valine, which is neutral and non-polar, at codon 3266 of the FAT4 protein (p.Leu3266Val). This variant is present in population databases (rs749437999, gnomAD 0.002%). This variant has not been reported in the literature in individuals affected with FAT4-related conditions. Invitae Evidence Modeling of protein sequence and biophysical properties (such as structural, functional, and spatial information, amino acid conservation, physicochemical variation, residue mobility, and thermodynamic stability) has been performed for this missense variant. However, the output from this modeling did not meet the statistical confidence thresholds required to predict the impact of this variant on FAT4 protein function. In summary, the available evidence is currently insufficient to determine the role of this variant in disease. Therefore, it has been classified as a Variant of Uncertain Significance.

NM_001291303.3(FAT4):c.9802C>G (p.Leu3268Val)

Gene: FAT4 (FAT atypical cadherin 4; plus strand). Cytogenetic location: 4q28.1.
Variant type: single nucleotide variant.
Coding change: c.9802C>G on transcript NM_001291303.3 (MANE Select); coding-DNA position 9802, C replaced by G.
Protein change: p.Leu3268Val; replaces leucine 3268 with valine.
Molecular consequence: missense variant.
Genome position (GRCh38, 1-based): chr4:125,450,812, C>G. VCF-style: chr4-125450812-C-G. GRCh37 (hg19) VCF-style: chr4-126371967-C-G.
Other names: c.9802C>G, p.Leu3268Val (NM_001291285.3, NM_001438396.1, NM_001438397.1); c.4573C>G, p.Leu1525Val (NM_001437895.1); c.9796C>G, p.Leu3266Val (NM_024582.6); short protein forms L1525V, L3266V, L3268V.
Identifiers: ClinVar variation 4810232 (VCV004810232.1).